The following is an entry in ClinVar:

ClinVar aggregate classification (germline): Conflicting classifications of pathogenicity. Review status: criteria provided, conflicting classifications (1 of 4 stars). 2 submissions from 2 submitters: Uncertain significance (1); Likely benign (1). Last evaluated 2026-06-22.

Conditions:
Inborn genetic diseases. Identifiers: MedGen C0950123, MeSH D030342.

gnomAD v4.1: 10 of 1,614,146 alleles (0.00062%); highest among the groups gnomAD compares: East Asian, 0.0022%; no homozygotes.

Submissions (2):

Ambry Genetics
Classification: Likely benign for Inborn genetic diseases. Last evaluated: 2026-06-22. Review status: criteria provided, single submitter. Criteria: Ambry Variant Classification Scheme 2023. Collection method: clinical testing. Allele origin: germline.

Labcorp Genetics (formerly Invitae), Labcorp
Classification: Uncertain significance. Last evaluated: 2024-03-21. Review status: criteria provided, single submitter. Criteria: Invitae Variant Classification Sherloc (09022015). Collection method: clinical testing. Allele origin: germline.
Comment: This sequence change affects codon 280 of the GNAS mRNA. It is a 'silent' change, meaning that it does not change the encoded amino acid sequence of the GNAS protein. It affects a nucleotide within the consensus splice site. This variant is present in population databases (no rsID available, gnomAD 0.006%). This variant has not been reported in the literature in individuals affected with GNAS-related conditions. Algorithms developed to predict the effect of sequence changes on RNA splicing suggest that this variant is not likely to affect RNA splicing. In summary, the available evidence is currently insufficient to determine the role of this variant in disease. Therefore, it has been classified as a Variant of Uncertain Significance.

NM_000516.7(GNAS):c.840A>G (p.Arg280=)

Gene: GNAS (GNAS complex locus; plus strand). Cytogenetic location: 20q13.32.
Variant type: single nucleotide variant.
Coding change: c.840A>G on transcript NM_000516.7 (MANE Select); coding-DNA position 840, A replaced by G.
Protein change: p.Arg280=; no amino-acid change (arginine 280 retained).
Molecular consequence: synonymous variant. On other transcripts: 3 prime UTR variant (2).
Genome position (GRCh38, 1-based): chr20:58,909,951, A>G. VCF-style: chr20-58909951-A-G. GRCh37 (hg19) VCF-style: chr20-57485006-A-G.
Other names: c.840A>G (NM_000516.4); c.843A>G, p.Arg281= (NM_001077488.5); c.795A>G, p.Arg265= (NM_001077489.4); c.*701A>G (NM_001077490.3); c.663A>G, p.Arg221= (NM_001309840.2, NM_001309861.2); c.744A>G, p.Arg248= (NM_001410912.1); c.2724A>G, p.Arg908= (NM_001410913.1); c.*746A>G (NM_016592.5); and 2 more.
Identifiers: ClinVar variation 3622844 (VCV003622844.3).